The following is an entry in ClinVar:

ClinVar aggregate classification (germline): Likely benign (1 of 4 stars; one submission).

Submission:

CeGaT Center for Human Genetics Tuebingen
Classification: Likely benign. Last evaluated: 2024-02-01. Review status: criteria provided, single submitter. Criteria: CeGaT Center For Human Genetics Tuebingen Variant Classification Criteria Version 2. Collection method: clinical testing. Allele origin: germline. Affected: yes. Observed: 1 variant allele.
Comment: SETD1A: PM2:Supporting, BP4, BP7

NM_014712.3(SETD1A):c.1824C>A (p.Pro608=)

Gene: SETD1A (SET domain containing 1A, histone lysine methyltransferase; plus strand). Cytogenetic location: 16p11.2.
Variant type: single nucleotide variant.
Coding change: c.1824C>A on transcript NM_014712.3 (MANE Select); coding-DNA position 1824, C replaced by A.
Protein change: p.Pro608=; no amino-acid change (proline 608 retained).
Molecular consequence: synonymous variant.
Genome position (GRCh38, 1-based): chr16:30,965,705, C>A. VCF-style: chr16-30965705-C-A. GRCh37 (hg19) VCF-style: chr16-30977026-C-A.
Identifiers: ClinVar variation 3027142 (VCV003027142.22), dbSNP rs1272078137, ClinGen allele CA494917863.
Genomic context (GRCh38, chr16:30,965,705, plus strand): 5'-CGACCGGGGTGGCTCACCCCCTCCGGCCCCGACGCCCCCTCAGCAGCCTCCGCCACCTCC[C>A]CCTCCCCCGCCGCCTCCTCCTCCCTACCTGGCGTCCCTTCCTCTTGGTTATCCTCCCCAC-3'
Protein context (NP_055527.1, residues 598-618): PTPPQQPPPP[Pro608=]PPPPPPPPYL